The following is an entry in ClinVar:

ClinVar aggregate classification (germline): Uncertain significance (1 of 4 stars; one submission).

Submission:

GeneDx
Classification: Uncertain significance. Last evaluated: 2026-02-14. Review status: criteria provided, single submitter. Criteria: GeneDx Variant Classification Process June 2021. Collection method: clinical testing. Allele origin: germline.
Comment: Not observed at significant frequency in large population cohorts (gnomAD); In silico analysis suggests that this missense variant does not alter protein structure/function; Has not been previously published as pathogenic or benign to our knowledge

NM_003620.4(PPM1D):c.1567G>A (p.Ala523Thr)

Gene: PPM1D (protein phosphatase, Mg2+/Mn2+ dependent 1D; plus strand). Cytogenetic location: 17q23.2.
Variant type: single nucleotide variant.
Coding change: c.1567G>A on transcript NM_003620.4 (MANE Select); coding-DNA position 1567, G replaced by A.
Protein change: p.Ala523Thr; replaces alanine 523 with threonine.
Molecular consequence: missense variant.
Genome position (GRCh38, 1-based): chr17:60,663,301, G>A. VCF-style: chr17-60663301-G-A. GRCh37 (hg19) VCF-style: chr17-58740662-G-A.
Other names: short protein forms A523T.
Identifiers: ClinVar variation 5008142 (VCV005008142.1).
Genomic context (GRCh38, chr17:60,663,301, plus strand): 5'-TCAACAAACACTGTCATGGACCAAAAAAATTTGAAGATGTCAACTCCTGGCCAAATGAAA[G>A]CCCAAGAAATTGAAAGAACCCCTCCAACAAACTTTAAAAGGACATTAGAAGAGTCCAATT-3'
Protein context (NP_003611.1, residues 513-533): LKMSTPGQMK[Ala523Thr]QEIERTPPTN